The following is an entry in ClinVar:

ClinVar aggregate classification (germline): Conflicting classifications of pathogenicity. Review status: criteria provided, conflicting classifications (1 of 4 stars). 2 submissions from 2 submitters: Likely pathogenic (1); Uncertain significance (1). Last evaluated 2025-02-26.

Conditions:
Desmin-related myofibrillar myopathy (MFM1). Also called: MYOFIBRILLAR MYOPATHY WITH ARRHYTHMOGENIC RIGHT VENTRICULAR CARDIOMYOPATHY; DESMIN-RELATED MYOPATHY WITH ARRHYTHMOGENIC RIGHT VENTRICULAR CARDIOMYOPATHY; Desmin related myopathy (former name); Desmin storage myopathy (former name); Desminopathy; Myofibrillar myopathy 1. Identifiers: Orphanet 363543, Orphanet 98909, MedGen C1832370, MONDO:0011076, OMIM 601419.

Submissions (2):

GeneDx
Classification: Uncertain significance. Last evaluated: 2025-02-26. Review status: criteria provided, single submitter. Criteria: GeneDx Variant Classification Process June 2021. Collection method: clinical testing. Allele origin: germline. Affected: yes.
Comment: Has been reported in an individual with myofibrillar myopathy (PMID: 39973468); Not observed at significant frequency in large population cohorts (gnomAD); In silico analysis supports that this missense variant has a deleterious effect on protein structure/function; This variant is associated with the following publications: (PMID: 26807690, 39973468)

Labcorp Genetics (formerly Invitae), Labcorp
Classification: Likely pathogenic for Desmin-related myofibrillar myopathy. Last evaluated: 2021-09-15. Review status: criteria provided, single submitter. Criteria: Invitae Variant Classification Sherloc (09022015). Collection method: clinical testing. Allele origin: germline.
Comment: In summary, the currently available evidence indicates that the variant is pathogenic, but additional data are needed to prove that conclusively. Therefore, this variant has been classified as Likely Pathogenic. Algorithms developed to predict the effect of missense changes on protein structure and function (SIFT, PolyPhen-2, Align-GVGD) all suggest that this variant is likely to be disruptive. This missense change has been observed in individual(s) with clinical features of DES-related conditions (Invitae). In at least one individual the variant was observed to be de novo. This variant is not present in population databases (ExAC no frequency). This sequence change replaces tyrosine with serine at codon 405 of the DES protein (p.Tyr405Ser). The tyrosine residue is highly conserved and there is a large physicochemical difference between tyrosine and serine.

NM_001927.4(DES):c.1214A>C (p.Tyr405Ser)

Gene: DES (desmin; plus strand). Cytogenetic location: 2q35.
Variant type: single nucleotide variant.
Coding change: c.1214A>C on transcript NM_001927.4 (MANE Select); coding-DNA position 1214, A replaced by C.
Protein change: p.Tyr405Ser; replaces tyrosine 405 with serine.
Molecular consequence: missense variant.
Genome position (GRCh38, 1-based): chr2:219,421,530, A>C. VCF-style: chr2-219421530-A-C. GRCh37 (hg19) VCF-style: chr2-220286252-A-C.
Other names: c.1214A>C (NM_001927.3); c.1211A>C, p.Tyr404Ser (NM_001382708.1); c.782A>C, p.Tyr261Ser (NM_001382709.1); c.1145A>C, p.Tyr382Ser (NM_001382710.1); c.1193A>C, p.Tyr398Ser (NM_001382711.1); c.1214A>C, p.Tyr405Ser (NM_001382712.1); c.944A>C, p.Tyr315Ser (NM_001382713.1); short protein forms Y382S, Y405S, Y315S, Y398S, Y261S, Y404S.
Identifiers: ClinVar variation 1501730 (VCV001501730.7), dbSNP rs2125168913, ClinGen allele CA350695004.